The following is an entry in ClinVar:

ClinVar aggregate classification (germline): Likely pathogenic (1 of 4 stars; one submission).

Conditions:
Hereditary sensory neuropathy-deafness-dementia syndrome. Also called: NEUROPATHY, HEREDITARY SENSORY, WITH HEARING LOSS AND DEMENTIA; Hereditary Sensory and Autonomic Neuropathy Type 1E (HSAN1E); HSN IE; Hereditary sensory neuropathy type IE. Identifiers: Orphanet 456318, MedGen C3279885, MONDO:0013584, OMIM 614116.

Submission:

Labcorp Genetics (formerly Invitae), Labcorp
Classification: Likely pathogenic for Hereditary sensory neuropathy-deafness-dementia syndrome. Last evaluated: 2020-06-19. Review status: criteria provided, single submitter. Criteria: Invitae Variant Classification Sherloc (09022015). Collection method: clinical testing. Allele origin: germline.
Comment: This sequence change replaces tyrosine with serine at codon 540 of the DNMT1 protein (p.Tyr540Ser). The tyrosine residue is highly conserved and there is a large physicochemical difference between tyrosine and serine. This variant is not present in population databases (ExAC no frequency). This variant has been observed in individual(s) with clinical features of hereditary sensory and autonomic neuropathy (Invitae). In at least one individual the variant was observed to be de novo. Algorithms developed to predict the effect of missense changes on protein structure and function are either unavailable or do not agree on the potential impact of this missense change (SIFT: "Deleterious"; PolyPhen-2: "Probably Damaging"; Align-GVGD: "Class C0"). This variant disrupts the p.Tyr540 amino acid residue in DNMT1. Other variant(s) that disrupt this residue have been observed in individuals with DNMT1-related conditions (PMID: 25678562, 30342480), which suggests that this may be a clinically significant amino acid residue. In summary, the currently available evidence indicates that the variant is pathogenic, but additional data are needed to prove that conclusively. Therefore, this variant has been classified as Likely Pathogenic.

Literature cited by the submitters: PubMed 25678562; PubMed 30342480.

NM_001130823.3(DNMT1):c.1619A>C (p.Tyr540Ser)

Gene: DNMT1 (DNA methyltransferase 1; minus strand). Cytogenetic location: 19p13.2.
Variant type: single nucleotide variant.
Coding change: c.1619A>C on transcript NM_001130823.3 (MANE Select); coding-DNA position 1619, A replaced by C.
Protein change: p.Tyr540Ser; replaces tyrosine 540 with serine.
Molecular consequence: missense variant.
Genome position (GRCh38, 1-based): chr19:10,154,930, T>G on the plus strand (A>C on the coding strand, the complement: DNMT1 is on the minus strand). VCF-style: chr19-10154930-T-G. GRCh37 (hg19) VCF-style: chr19-10265606-T-G.
Other names: c.1571A>C, p.Tyr524Ser (NM_001318730.2, NM_001379.4); c.1256A>C, p.Tyr419Ser (NM_001318731.2); short protein forms Y419S, Y524S, Y540S.
Identifiers: ClinVar variation 1067356 (VCV001067356.9), dbSNP rs1599366421, ClinGen allele CA403935772.